The following is an entry in ClinVar:

NM_000065.5(C6):c.1318T>G (p.Ser440Ala)

Gene: C6 (complement C6; minus strand). Cytogenetic location: 5p13.1.
Variant type: single nucleotide variant.
Coding change: c.1318T>G on transcript NM_000065.5 (MANE Select); coding-DNA position 1318, T replaced by G.
Protein change: p.Ser440Ala; replaces serine 440 with alanine.
Molecular consequence: missense variant.
Genome position (GRCh38, 1-based): chr5:41,161,833, A>C on the plus strand (T>G on the coding strand, the complement: C6 is on the minus strand). VCF-style: chr5-41161833-A-C. GRCh37 (hg19) VCF-style: chr5-41161935-A-C.
Other names: c.1318T>G, p.Ser440Ala (NM_001115131.4); c.1318T>G (NM_000065.2); short protein forms S440A.
Identifiers: ClinVar variation 1430366 (VCV001430366.6), dbSNP rs368185869, ClinGen allele CA3252493.

ClinVar aggregate classification (germline): Uncertain significance. Review status: criteria provided, multiple submitters, no conflicts (2 of 4 stars). 2 submissions from 2 submitters: Uncertain significance (2). Last evaluated 2023-03-29.

Conditions:
Inborn genetic diseases. Identifiers: MedGen C0950123, MeSH D030342.

Allele frequency attached by ClinVar (database versions not stated): gnomAD 0.00003; gnomAD exomes 0.00003 and 0.00008; ExAC 0.00012; 1000 Genomes Project 30x 0.00031; 1000 Genomes Project 0.00040.
gnomAD v4.1: 60 of 1,613,644 alleles (0.0037%); highest among the groups gnomAD compares: South Asian, 0.057%; 1 homozygote.

Submissions (2):

Ambry Genetics
Classification: Uncertain significance for Inborn genetic diseases. Last evaluated: 2023-03-29. Review status: criteria provided, single submitter. Criteria: Ambry Variant Classification Scheme 2023. Collection method: clinical testing. Allele origin: germline.

Labcorp Genetics (formerly Invitae), Labcorp
Classification: Uncertain significance. Last evaluated: 2022-09-27. Review status: criteria provided, single submitter. Criteria: Invitae Variant Classification Sherloc (09022015). Collection method: clinical testing. Allele origin: germline.
Comment: This sequence change replaces serine, which is neutral and polar, with alanine, which is neutral and non-polar, at codon 440 of the C6 protein (p.Ser440Ala). This variant is present in population databases (rs368185869, gnomAD 0.06%). This variant has not been reported in the literature in individuals affected with C6-related conditions. ClinVar contains an entry for this variant (Variation ID: 1430366). Algorithms developed to predict the effect of missense changes on protein structure and function output the following: SIFT: "Tolerated"; PolyPhen-2: "Benign"; Align-GVGD: "Class C0". The alanine amino acid residue is found in multiple mammalian species, which suggests that this missense change does not adversely affect protein function. In summary, the available evidence is currently insufficient to determine the role of this variant in disease. Therefore, it has been classified as a Variant of Uncertain Significance.